The following is an entry in ClinVar:

ClinVar aggregate classification (germline): Likely pathogenic (1 of 4 stars; one submission).

Conditions:
Baller-Gerold syndrome (BGS). Also called: CRANIOSYNOSTOSIS WITH RADIAL DEFECTS. Identifiers: Orphanet 1225, MedGen C0265308, MONDO:0009039, OMIM 218600.

Allele frequency attached by ClinVar (database versions not stated): TOPMed below 0.00001; gnomAD 0.00001.

Submission:

Labcorp Genetics (formerly Invitae), Labcorp
Classification: Likely pathogenic for Baller-Gerold syndrome. Last evaluated: 2022-06-28. Review status: criteria provided, single submitter. Criteria: Invitae Variant Classification Sherloc (09022015). Collection method: clinical testing. Allele origin: germline.
Comment: In summary, the currently available evidence indicates that the variant is pathogenic, but additional data are needed to prove that conclusively. Therefore, this variant has been classified as Likely Pathogenic. Algorithms developed to predict the effect of sequence changes on RNA splicing suggest that this variant may disrupt the consensus splice site. This variant has not been reported in the literature in individuals affected with RECQL4-related conditions. This variant is not present in population databases (gnomAD no frequency). This sequence change affects a donor splice site in intron 14 of the RECQL4 gene. It is expected to disrupt RNA splicing. Variants that disrupt the donor or acceptor splice site typically lead to a loss of protein function (PMID: 16199547), and loss-of-function variants in RECQL4 are known to be pathogenic (PMID: 12734318, 12952869).

Literature cited by the submitters: PubMed 16199547; PubMed 12734318; PubMed 12952869.

NM_004260.4(RECQL4):c.2463+1G>A

Gene: RECQL4 (RecQ like helicase 4; minus strand). Cytogenetic location: 8q24.3.
Variant type: single nucleotide variant.
Coding change: c.2463+1G>A on transcript NM_004260.4 (MANE Select); the canonical splice donor site of the intron after coding-DNA position 2463, G replaced by A.
Molecular consequence: splice donor variant. On other transcripts: intron variant (3).
Genome position (GRCh38, 1-based): chr8:144,513,217, C>T on the plus strand (G>A on the coding strand, the complement: RECQL4 is on the minus strand). VCF-style: chr8-144513217-C-T. GRCh37 (hg19) VCF-style: chr8-145738600-C-T.
Other names: c.2334+1G>A (NM_001413025.1); c.2112+1G>A (NM_001413029.1); c.1326+1G>A (NM_001413032.1, NM_001413027.1, NM_001413030.1 and 1 more transcripts); c.1392+1G>A (NM_001413035.1, NM_001413040.1, NM_001413021.1 and 5 more transcripts); c.2170-79G>A (NM_001413017.1); c.2367+1G>A (NM_001413020.1); c.2433+1G>A (NM_001413039.1); c.2331+1G>A (NM_001413033.1); and 7 more.
Identifiers: ClinVar variation 1348918 (VCV001348918.8), dbSNP rs1295396384, ClinGen allele CA372677834.